The following is an entry in ClinVar:

ClinVar aggregate classification (germline): Likely pathogenic. Review status: criteria provided, multiple submitters, no conflicts (2 of 4 stars). 2 submissions from 2 submitters: Likely pathogenic (2). Last evaluated 2024-02-15.

Conditions:
Methylmalonic aciduria, cblB type (MACB). Also called: METHYLMALONIC ACIDURIA, VITAMIN B12-RESPONSIVE, DUE TO DEFECT IN SYNTHESIS OF ADENOSYLCOBALAMIN, cblB TYPE; Methylmalonic acidemia cblB type; Vitamin B12-responsive methylmalonic acidemia type cblB. Identifiers: Orphanet 28, Orphanet 79311, MedGen C1855102, MONDO:0009614, OMIM 251110.

Submissions (2):

Labcorp Genetics (formerly Invitae), Labcorp
Classification: Likely pathogenic for Methylmalonic aciduria, cblB type. Last evaluated: 2024-02-15. Review status: criteria provided, single submitter. Criteria: Invitae Variant Classification Sherloc (09022015). Collection method: clinical testing. Allele origin: germline.
Comment: This sequence change affects a donor splice site in intron 7 of the MMAB gene. It is expected to disrupt RNA splicing. Variants that disrupt the donor or acceptor splice site typically lead to a loss of protein function (PMID: 16199547), and loss-of-function variants in MMAB are known to be pathogenic (PMID: 15781192, 16410054). This variant is not present in population databases (gnomAD no frequency). This variant has not been reported in the literature in individuals affected with MMAB-related conditions. Algorithms developed to predict the effect of sequence changes on RNA splicing suggest that this variant may disrupt the consensus splice site. In summary, the currently available evidence indicates that the variant is pathogenic, but additional data are needed to prove that conclusively. Therefore, this variant has been classified as Likely Pathogenic.

Juno Genomics, Hangzhou Juno Genomics, Inc
Classification: Likely pathogenic for Methylmalonic aciduria, cblB type. Review status: criteria provided, single submitter. Criteria: ACMG Guidelines, 2015. Collection method: clinical testing. Allele origin: germline. Affected: yes.
Comment: Absent from controls (or at extremely low frequency if recessive) in Genome Aggregation Database, Exome Sequencing Project, 1000 Genomes Project, or Exome Aggregation Consortium.;Null variant in a gene where loss of function (LOF) is a known mechanism of disease.

Literature cited by the submitters: PubMed 16199547 (cited by Labcorp Genetics (formerly Invitae), Labcorp); PubMed 15781192 (cited by Labcorp Genetics (formerly Invitae), Labcorp); PubMed 16410054 (cited by Labcorp Genetics (formerly Invitae), Labcorp).

NM_052845.4(MMAB):c.584+2T>C

Gene: MMAB (metabolism of cobalamin associated B; minus strand). Cytogenetic location: 12q24.11.
Variant type: single nucleotide variant.
Coding change: c.584+2T>C on transcript NM_052845.4 (MANE Select); the canonical splice donor site of the intron after coding-DNA position 584, T replaced by C.
Molecular consequence: splice donor variant.
Genome position (GRCh38, 1-based): chr12:109,561,038, A>G on the plus strand (T>C on the coding strand, the complement: MMAB is on the minus strand). VCF-style: chr12-109561038-A-G. GRCh37 (hg19) VCF-style: chr12-109998843-A-G.
Identifiers: ClinVar variation 3382261 (VCV003382261.5).